The following is an entry in ClinVar:

NM_004336.5(BUB1):c.2477C>T (p.Ala826Val)

Gene: BUB1 (BUB1 mitotic checkpoint serine/threonine kinase; minus strand). Cytogenetic location: 2q13.
Variant type: single nucleotide variant.
Coding change: c.2477C>T on transcript NM_004336.5 (MANE Select); coding-DNA position 2477, C replaced by T.
Protein change: p.Ala826Val; replaces alanine 826 with valine.
Molecular consequence: missense variant.
Genome position (GRCh38, 1-based): chr2:110,641,790, G>A on the plus strand (C>T on the coding strand, the complement: BUB1 is on the minus strand). VCF-style: chr2-110641790-G-A. GRCh37 (hg19) VCF-style: chr2-111399367-G-A.
Other names: c.2417C>T, p.Ala806Val (NM_001278616.2); c.2477C>T, p.Ala826Val (NM_001278617.2); short protein forms A806V, A826V.
Identifiers: ClinVar variation 1791851 (VCV001791851.2), dbSNP rs1418344624, ClinGen allele CA348090646.

ClinVar aggregate classification (germline): Uncertain significance (1 of 4 stars; one submission).

Allele frequency attached by ClinVar (database versions not stated): gnomAD exomes below 0.00001; TOPMed 0.00001.
gnomAD v4.1: 3 of 1,604,734 alleles (0.00019%); highest among the groups gnomAD compares: Admixed American, 0.0034%; no homozygotes.

Submission:

Ambry Genetics
Classification: Uncertain significance. Last evaluated: 2021-07-14. Review status: criteria provided, single submitter. Criteria: Ambry Variant Classification Scheme 2023. Collection method: clinical testing. Allele origin: germline.
Comment: The p.A826V variant (also known as c.2477C>T), located in coding exon 21 of the BUB1 gene, results from a C to T substitution at nucleotide position 2477. The alanine at codon 826 is replaced by valine, an amino acid with similar properties. This amino acid position is conserved. In addition, the in silico prediction for this alteration is inconclusive. Since supporting evidence is limited at this time, the clinical significance of this alteration remains unclear.